The following is an entry in ClinVar:

ClinVar aggregate classification (germline): Uncertain significance. Review status: criteria provided, multiple submitters, no conflicts (2 of 4 stars). 2 submissions from 2 submitters: Uncertain significance (2). Last evaluated 2025-03-12.

Conditions:
Inborn genetic diseases. Identifiers: MedGen C0950123, MeSH D030342.

gnomAD v4.1: 27 of 1,614,044 alleles (0.0017%); highest among the groups gnomAD compares: South Asian, 0.0022%; no homozygotes.

Submissions (2):

Ambry Genetics
Classification: Uncertain significance for Inborn genetic diseases. Last evaluated: 2025-03-12. Review status: criteria provided, single submitter. Criteria: Ambry Variant Classification Scheme 2023. Collection method: clinical testing. Allele origin: germline.

GeneDx
Classification: Uncertain significance. Last evaluated: 2024-06-03. Review status: criteria provided, single submitter. Criteria: GeneDx Variant Classification Process June 2021. Collection method: clinical testing. Allele origin: germline. Affected: yes.
Comment: In silico analysis supports that this missense variant has a deleterious effect on protein structure/function; Has not been previously published as pathogenic or benign to our knowledge

NM_015378.4(VPS13D):c.5941C>T (p.Arg1981Cys)

Gene: VPS13D (vacuolar protein sorting 13 homolog D; plus strand). Cytogenetic location: 1p36.22.
Variant type: single nucleotide variant.
Coding change: c.5941C>T on transcript NM_015378.4 (MANE Select); coding-DNA position 5941, C replaced by T.
Protein change: p.Arg1981Cys; replaces arginine 1981 with cysteine.
Molecular consequence: missense variant.
Genome position (GRCh38, 1-based): chr1:12,293,612, C>T. VCF-style: chr1-12293612-C-T. GRCh37 (hg19) VCF-style: chr1-12353669-C-T.
Other names: c.5941C>T, p.Arg1981Cys (NM_018156.4); c.5941C>T (NM_015378.2); short protein forms R1981C.
Identifiers: ClinVar variation 3384486 (VCV003384486.2).